The following is an entry in ClinVar:

NM_002470.4(MYH3):c.927C>G (p.Tyr309Ter)

Gene: MYH3 (myosin heavy chain 3; minus strand). Cytogenetic location: 17p13.1.
Variant type: single nucleotide variant.
Coding change: c.927C>G on transcript NM_002470.4 (MANE Select); coding-DNA position 927, C replaced by G.
Protein change: p.Tyr309Ter; replaces tyrosine 309 with a stop codon.
Molecular consequence: nonsense.
Genome position (GRCh38, 1-based): chr17:10,646,004, G>C on the plus strand (C>G on the coding strand, the complement: MYH3 is on the minus strand). VCF-style: chr17-10646004-G-C. GRCh37 (hg19) VCF-style: chr17-10549321-G-C.
Other names: short protein forms Y309*.
Identifiers: ClinVar variation 2141735 (VCV002141735.4), dbSNP rs199987136, ClinGen allele CA8393125.
Genomic context (GRCh38, chr17:10,646,004, plus strand): 5'-CTCCTCTGCATCATCTATGCTGGCCACCAGGATCTCCCCCTGGCTAATGAACGGGTAGTC[G>C]TAAGGGTTGGTCGTAATAAGCAGCAGCTCTGAAATGACAAATAGTTCCAGGAGGTTATGC-3'

ClinVar aggregate classification (germline): Pathogenic (1 of 4 stars; one submission).

Allele frequency attached by ClinVar (database versions not stated): ExAC 0.00002.
gnomAD v4.1: 2 of 1,613,976 alleles (0.00012%); highest among the groups gnomAD compares: Non-Finnish European, 0.00017%; no homozygotes.

Submission:

Labcorp Genetics (formerly Invitae), Labcorp
Classification: Pathogenic. Last evaluated: 2022-03-20. Review status: criteria provided, single submitter. Criteria: Invitae Variant Classification Sherloc (09022015). Collection method: clinical testing. Allele origin: germline.
Comment: This sequence change creates a premature translational stop signal (p.Tyr309*) in the MYH3 gene. It is expected to result in an absent or disrupted protein product. Loss-of-function variants in MYH3 are known to be pathogenic (PMID: 29805041, 30008475). This variant is present in population databases (rs199987136, gnomAD 0.002%). This variant has not been reported in the literature in individuals affected with MYH3-related conditions. For these reasons, this variant has been classified as Pathogenic.

Literature cited by the submitters: PubMed 29805041; PubMed 30008475.